The following is an entry in ClinVar:

ClinVar aggregate classification (germline): Uncertain significance (1 of 4 stars; one submission).

Conditions:
Cohen syndrome (COH1). Also called: PEPPER SYNDROME; Cutis verticis gyrata, retinitis pigmentosa, and sensorineural deafness. Identifiers: Orphanet 193, MedGen C0265223, MONDO:0008999, OMIM 216550.

Submission:

Labcorp Genetics (formerly Invitae), Labcorp
Classification: Uncertain significance for Cohen syndrome. Last evaluated: 2023-08-04. Review status: criteria provided, single submitter. Criteria: Invitae Variant Classification Sherloc (09022015). Collection method: clinical testing. Allele origin: germline.
Comment: In summary, the available evidence is currently insufficient to determine the role of this variant in disease. Therefore, it has been classified as a Variant of Uncertain Significance. An algorithm developed to predict the effect of missense changes on protein structure and function (PolyPhen-2) suggests that this variant is likely to be tolerated. This sequence change replaces tyrosine, which is neutral and polar, with cysteine, which is neutral and slightly polar, at codon 324 of the VPS13B protein (p.Tyr324Cys). This variant is not present in population databases (gnomAD no frequency). This variant has not been reported in the literature in individuals affected with VPS13B-related conditions. ClinVar contains an entry for this variant (Variation ID: 2160551).

NM_152564.5(VPS13B):c.971A>G (p.Tyr324Cys)

Gene: VPS13B (vacuolar protein sorting 13 homolog B; plus strand). Cytogenetic location: 8q22.2.
Variant type: single nucleotide variant.
Coding change: c.971A>G on transcript NM_152564.5 (MANE Select); coding-DNA position 971, A replaced by G.
Protein change: p.Tyr324Cys; replaces tyrosine 324 with cysteine.
Molecular consequence: missense variant. On other transcripts: non-coding transcript variant (1).
Genome position (GRCh38, 1-based): chr8:99,121,210, A>G. VCF-style: chr8-99121210-A-G. GRCh37 (hg19) VCF-style: chr8-100133438-A-G.
Other names: c.971A>G, p.Tyr324Cys (NM_015243.3, NM_017890.5, NM_181661.3); short protein forms Y324C.
Identifiers: ClinVar variation 2160551 (VCV002160551.4), dbSNP rs2488710077, ClinGen allele CA371860824.